The following is an entry in ClinVar:

ClinVar aggregate classification (germline): Likely benign. Review status: criteria provided, multiple submitters, no conflicts (2 of 4 stars). 7 submissions from 7 submitters: Likely benign (7). Last evaluated 2025-12-23.

Conditions:
Cardiovascular phenotype. Identifiers: MedGen CN230736.
Cardiomyopathy (CMYO). Also called: Cardiomyopathies. Identifiers: Orphanet 167848, MedGen C0878544, MONDO:0004994, HP:0001638. Inheritance: Various modes of inheritance.
Dilated cardiomyopathy 1O (CMD1O). Also called: CARDIOMYOPATHY, DILATED, WITH VENTRICULAR TACHYCARDIA. Identifiers: Orphanet 154, MedGen C1837839, MONDO:0012062, OMIM 608569.

Allele frequency attached by ClinVar (database versions not stated): TOPMed 0.00002; gnomAD exomes 0.00006; ExAC 0.00011; ESP Exome Variant Server 0.00015.
gnomAD v4.1: 71 of 1,613,816 alleles (0.0044%); highest among the groups gnomAD compares: Non-Finnish European, 0.0056%; no homozygotes.

Submissions (7):

Labcorp Genetics (formerly Invitae), Labcorp
Classification: Likely benign for Dilated cardiomyopathy 1O. Last evaluated: 2025-12-23. Review status: criteria provided, single submitter. Criteria: Invitae Variant Classification Sherloc (09022015). Collection method: clinical testing. Allele origin: germline.

Blueprint Genetics
Classification: Likely benign. Last evaluated: 2024-08-16. Review status: criteria provided, single submitter. Criteria: ACMG Guidelines, 2015. Collection method: clinical testing. Allele origin: germline.

CeGaT Center for Human Genetics Tuebingen
Classification: Likely benign. Last evaluated: 2022-08-01. Review status: criteria provided, single submitter. Criteria: CeGaT Center For Human Genetics Tuebingen Variant Classification Criteria Version 2. Collection method: clinical testing. Allele origin: germline. Affected: yes. Observed: 1 variant allele.
Comment: ABCC9: BP4, BP7

GeneDx
Classification: Likely benign. Last evaluated: 2021-02-24. Review status: criteria provided, single submitter. Criteria: GeneDx Variant Classification Process June 2021. Collection method: clinical testing. Allele origin: germline. Affected: yes.
Comment: This variant is associated with the following publications: (PMID: 24503780)

Ambry Genetics
Classification: Likely benign for Cardiovascular phenotype. Last evaluated: 2020-03-19. Review status: criteria provided, single submitter. Criteria: Ambry Variant Classification Scheme 2023. Collection method: clinical testing. Allele origin: germline.

CHEO Genetics Diagnostic Laboratory, Children's Hospital of Eastern Ontario
Classification: Likely benign for Cardiomyopathy. Last evaluated: 2015-12-02. Review status: criteria provided, single submitter. Criteria: ACMG Guidelines, 2015. Collection method: clinical testing. Allele origin: germline. Study: Canadian Open Genetics Repository.

Laboratory for Molecular Medicine, Mass General Brigham Personalized Medicine
Classification: Likely benign. Last evaluated: 2010-02-19. Review status: criteria provided, single submitter. Criteria: LMM Criteria. Collection method: clinical testing. Allele origin: germline. Observed: 1 variant allele.

NM_020297.4(ABCC9):c.4437T>C (p.Ile1479=)

Genes: KCNJ8-AS1 (KCNJ8 antisense RNA 1; plus strand), ABCC9 (ATP binding cassette subfamily C member 9; minus strand). Cytogenetic location: 12p12.1.
Variant type: single nucleotide variant.
Coding change: c.4437T>C on transcript NM_020297.4 (MANE Select); coding-DNA position 4437, T replaced by C.
Protein change: p.Ile1479=; no amino-acid change (isoleucine 1479 retained).
Molecular consequence: synonymous variant.
Genome position (GRCh38, 1-based): chr12:21,807,358, A>G on the plus strand (T>C on the coding strand, the complement: ABCC9 is on the minus strand). VCF-style: chr12-21807358-A-G. GRCh37 (hg19) VCF-style: chr12-21960292-A-G.
Other names: c.4437T>C, p.Ile1479= (NM_001377273.1, NM_005691.4); c.3570T>C, p.Ile1190= (NM_001377274.1).
Identifiers: ClinVar variation 45415 (VCV000045415.44), dbSNP rs368079660, ClinGen allele CA136294.